The following is an entry in ClinVar:

ClinVar aggregate classification (germline): Uncertain significance. Review status: criteria provided, multiple submitters, no conflicts (2 of 4 stars). 2 submissions from 2 submitters: Uncertain significance (2). Last evaluated 2025-02-03.

Conditions:
Inborn genetic diseases. Identifiers: MedGen C0950123, MeSH D030342.

Allele frequency attached by ClinVar (database versions not stated): 1000 Genomes Project 30x 0.00016; TOPMed 0.00003; ExAC 0.00004; 1000 Genomes Project 0.00020; gnomAD 0.00003; gnomAD exomes 0.00003.

Submissions (2):

Labcorp Genetics (formerly Invitae), Labcorp
Classification: Uncertain significance. Last evaluated: 2025-02-03. Review status: criteria provided, single submitter. Criteria: Invitae Variant Classification Sherloc (09022015). Collection method: clinical testing. Allele origin: germline.
Comment: This sequence change replaces glycine, which is neutral and non-polar, with arginine, which is basic and polar, at codon 87 of the TIMM50 protein (p.Gly87Arg). This variant is present in population databases (rs555849973, gnomAD 0.01%). This variant has not been reported in the literature in individuals affected with TIMM50-related conditions. ClinVar contains an entry for this variant (Variation ID: 2075727). An algorithm developed to predict the effect of missense changes on protein structure and function outputs the following: PolyPhen-2: "Benign". The arginine amino acid residue is found in multiple mammalian species, which suggests that this missense change does not adversely affect protein function. In summary, the available evidence is currently insufficient to determine the role of this variant in disease. Therefore, it has been classified as a Variant of Uncertain Significance.

Ambry Genetics
Classification: Uncertain significance for Inborn genetic diseases. Last evaluated: 2024-11-10. Review status: criteria provided, single submitter. Criteria: Ambry Variant Classification Scheme 2023. Collection method: clinical testing. Allele origin: germline.

NC_000019.10:g.39480803G>C

Gene: TIMM50 (translocase of inner mitochondrial membrane 50; plus strand). Cytogenetic location: 19q13.2.
Variant type: single nucleotide variant.
Genome position: GRCh38 VCF-style: chr19-39480803-G-C. GRCh37 (hg19) VCF-style: chr19-39971443-G-C.
Identifiers: ClinVar variation 2075727 (VCV002075727.4), dbSNP rs555849973, ClinGen allele CA9431608.